The following is an entry in ClinVar:

NM_021620.4(PRDM13):c.1552A>G (p.Ile518Val)

Gene: PRDM13 (PR/SET domain 13; plus strand). Cytogenetic location: 6q16.2.
Variant type: single nucleotide variant.
Coding change: c.1552A>G on transcript NM_021620.4 (MANE Select); coding-DNA position 1552, A replaced by G.
Protein change: p.Ile518Val; replaces isoleucine 518 with valine.
Molecular consequence: missense variant.
Genome position (GRCh38, 1-based): chr6:99,614,187, A>G. VCF-style: chr6-99614187-A-G. GRCh37 (hg19) VCF-style: chr6-100062063-A-G.
Other names: short protein forms I518V.
Identifiers: ClinVar variation 2981727 (VCV002981727.3), dbSNP rs2538547308, ClinGen allele CA365119865.
Genomic context (GRCh38, chr6:99,614,187, plus strand): 5'-TACTTCAGCGGGCCTGCAGCGGCCGCCCTAAGCCCCGCCGAGCTGGGGTCGCTGGCCAGC[A>G]TCGACCGAGAGATCGCCATGCACAATCAGCAGCTGTCCGAGATGGCTGCCGGGAAGGGTC-3'
Protein context (NP_067633.2, residues 508-528): SPAELGSLAS[Ile518Val]DREIAMHNQQ

ClinVar aggregate classification (germline): Uncertain significance (1 of 4 stars; one submission).

Submission:

Labcorp Genetics (formerly Invitae), Labcorp
Classification: Uncertain significance. Last evaluated: 2023-05-14. Review status: criteria provided, single submitter. Criteria: Invitae Variant Classification Sherloc (09022015). Collection method: clinical testing. Allele origin: germline.
Comment: This variant has not been reported in the literature in individuals affected with PRDM13-related conditions. This variant is not present in population databases (gnomAD no frequency). This sequence change replaces isoleucine, which is neutral and non-polar, with valine, which is neutral and non-polar, at codon 518 of the PRDM13 protein (p.Ile518Val). In summary, the available evidence is currently insufficient to determine the role of this variant in disease. Therefore, it has been classified as a Variant of Uncertain Significance. An algorithm developed to predict the effect of missense changes on protein structure and function (PolyPhen-2) suggests that this variant is likely to be disruptive.